The following is an entry in ClinVar:

NM_001457.4(FLNB):c.1505A>G (p.Lys502Arg)

Gene: FLNB (filamin B; plus strand). Cytogenetic location: 3p14.3.
Variant type: single nucleotide variant.
Coding change: c.1505A>G on transcript NM_001457.4 (MANE Select); coding-DNA position 1505, A replaced by G.
Protein change: p.Lys502Arg; replaces lysine 502 with arginine.
Molecular consequence: missense variant.
Genome position (GRCh38, 1-based): chr3:58,103,980, A>G. VCF-style: chr3-58103980-A-G. GRCh37 (hg19) VCF-style: chr3-58089707-A-G.
Other names: c.1505A>G, p.Lys502Arg (NM_001164317.2, NM_001164318.2, NM_001164319.2); short protein forms K502R.
Identifiers: ClinVar variation 1307655 (VCV001307655.2), dbSNP rs1258934756, ClinGen allele CA353338183.

ClinVar aggregate classification (germline): Uncertain significance (1 of 4 stars; one submission).

Allele frequency attached by ClinVar (database versions not stated): gnomAD exomes below 0.00001 and 0.00001; TOPMed 0.00002; gnomAD 0.00003 and 0.00004.
gnomAD v4.1: 8 of 1,613,980 alleles (0.0005%); highest among the groups gnomAD compares: Admixed American, 0.012%; no homozygotes.

Submission:

GeneDx
Classification: Uncertain significance. Last evaluated: 2019-08-07. Review status: criteria provided, single submitter. Criteria: GeneDx Variant Classification Process June 2021. Collection method: clinical testing. Allele origin: germline. Affected: yes.
Comment: In silico analysis, which includes protein predictors and evolutionary conservation, supports a deleterious effect; Has not been previously published as pathogenic or benign to our knowledge